The following is an entry in ClinVar:

NM_000179.3(MSH6):c.2395A>C (p.Met799Leu)

Gene: MSH6 (mutS homolog 6; plus strand). Cytogenetic location: 2p16.3.
Variant type: single nucleotide variant.
Coding change: c.2395A>C on transcript NM_000179.3 (MANE Select); coding-DNA position 2395, A replaced by C.
Protein change: p.Met799Leu; replaces methionine 799 with leucine.
Molecular consequence: missense variant.
Genome position (GRCh38, 1-based): chr2:47,800,378, A>C. VCF-style: chr2-47800378-A-C. GRCh37 (hg19) VCF-style: chr2-48027517-A-C.
Other names: c.2005A>C, p.Met669Leu (NM_001281492.2); c.1489A>C, p.Met497Leu (NM_001281493.2, NM_001281494.2); c.2395A>C (NM_000179.2); short protein forms M497L, M669L, M799L.
Identifiers: ClinVar variation 1007727 (VCV001007727.12), dbSNP rs1669456977, ClinGen allele CA346753874.

ClinVar aggregate classification (germline): Uncertain significance. Review status: criteria provided, multiple submitters, no conflicts (2 of 4 stars). 2 submissions from 2 submitters: Uncertain significance (2). Last evaluated 2025-07-24.

Conditions:
Hereditary nonpolyposis colorectal neoplasms. Identifiers: MedGen C0009405, MeSH D003123.
Hereditary cancer-predisposing syndrome. Also called: Tumor predisposition; Hereditary neoplastic syndrome; Neoplastic Syndromes, Hereditary; Hereditary Cancer Syndrome. Identifiers: Orphanet 140162, MedGen C0027672, MeSH D009386, MONDO:0015356.

Submissions (2):

Ambry Genetics
Classification: Uncertain significance for Hereditary cancer-predisposing syndrome. Last evaluated: 2025-07-24. Review status: criteria provided, single submitter. Criteria: Ambry Variant Classification Scheme 2023. Collection method: clinical testing. Allele origin: germline.
Comment: The p.M799L variant (also known as c.2395A>C), located in coding exon 4 of the MSH6 gene, results from an A to C substitution at nucleotide position 2395. The methionine at codon 799 is replaced by leucine, an amino acid with highly similar properties. This amino acid position is well conserved in available vertebrate species. In addition, the in silico prediction for this alteration is inconclusive. Based on the available evidence, the clinical significance of this variant remains unclear.

Labcorp Genetics (formerly Invitae), Labcorp
Classification: Uncertain significance for Hereditary nonpolyposis colorectal neoplasms. Last evaluated: 2024-11-30. Review status: criteria provided, single submitter. Criteria: Invitae Variant Classification Sherloc (09022015). Collection method: clinical testing. Allele origin: germline.
Comment: This sequence change replaces methionine, which is neutral and non-polar, with leucine, which is neutral and non-polar, at codon 799 of the MSH6 protein (p.Met799Leu). This variant is not present in population databases (gnomAD no frequency). This variant has not been reported in the literature in individuals affected with MSH6-related conditions. ClinVar contains an entry for this variant (Variation ID: 1007727). Invitae Evidence Modeling of protein sequence and biophysical properties (such as structural, functional, and spatial information, amino acid conservation, physicochemical variation, residue mobility, and thermodynamic stability) indicates that this missense variant is not expected to disrupt MSH6 protein function with a negative predictive value of 95%. In summary, the available evidence is currently insufficient to determine the role of this variant in disease. Therefore, it has been classified as a Variant of Uncertain Significance.